The following is an entry in ClinVar:

ClinVar aggregate classification (germline): Uncertain significance. Review status: criteria provided, multiple submitters, no conflicts (2 of 4 stars). 16 submissions from 14 submitters: Uncertain significance (11). 5 of the submissions do not count toward it. Last evaluated 2026-06-17.

Conditions:
TNNT2-related disorder. Also called: TNNT2-related condition.
Cardiovascular phenotype. Identifiers: MedGen CN230736.
Dilated cardiomyopathy 1D. Identifiers: Orphanet 154, Orphanet 54260, MedGen C1832243, MONDO:0011095, OMIM 601494.
Cardiomyopathy, familial restrictive, 3. Identifiers: Orphanet 75249, MedGen C2676271, MONDO:0012900, OMIM 612422.
Hypertrophic cardiomyopathy 2. Also called: TNNT2-Related Familial Hypertrophic Cardiomyopathy. Identifiers: MedGen C1861864, MONDO:0007266, OMIM 115195.
Cardiomyopathy (CMYO). Also called: Cardiomyopathies. Identifiers: Orphanet 167848, MedGen C0878544, MONDO:0004994, HP:0001638. Inheritance: Various modes of inheritance.

Allele frequency attached by ClinVar (database versions not stated): gnomAD exomes 0.00001 and 0.00002; ExAC 0.00002; TOPMed 0.00003; gnomAD 0.00004.
gnomAD v4.1: 33 of 1,613,140 alleles (0.002%); highest among the groups gnomAD compares: Middle Eastern, 0.033%; no homozygotes.

Submissions (16):

Women's Health and Genetics/Laboratory Corporation of America, LabCorp
Classification: Uncertain significance. Last evaluated: 2026-06-17. Review status: criteria provided, single submitter. Criteria: LabCorp Variant Classification Summary - May 2015. Collection method: clinical testing. Allele origin: germline.
Comment: Variant summary: TNNT2 c.431G>A (p.Arg144Gln) results in a conservative amino acid change in the encoded protein sequence. Algorithms developed to predict the effect of missense changes on protein structure and function are either unavailable or do not agree on the potential impact of this missense change. The variant allele was found at a frequency of 1.2e-05 in 249928 control chromosomes. The available data on variant occurrences in the general population are insufficient to allow any conclusion about variant significance. c.431G>A has been observed in individual(s) affected with cardiomyopathy (van Waning_2018, Verhagen_2018). These reports do not provide unequivocal conclusions about association of the variant with disease. To our knowledge, no experimental evidence demonstrating an impact on protein function has been reported. The following publications have been ascertained in the context of this evaluation (PMID: 29988065, 29447731). ClinVar contains an entry for this variant (Variation ID: 404394). Based on the evidence outlined above, the variant was classified as uncertain significance.

PreventionGenetics, part of Exact Sciences
Classification: Uncertain significance for TNNT2-related condition. Last evaluated: 2026-03-23. Review status: criteria provided, single submitter. Criteria: ACMG Guidelines, 2015. Collection method: clinical testing. Allele origin: germline.
Comment: The TNNT2 c.431G>A variant is predicted to result in the amino acid substitution p.Arg144Gln. This variant, also described as c.461G>A, p.Arg154Gln in NM_001276345.2, has been reported in an individual with noncompaction cardiomyopathy (Online Table 3, van Waning et al. 2018. PubMed ID: 29447731). This variant is reported in 0.0066% of alleles in individuals of South Asian descent in gnomAD. An alternate missense variant of the same amino acid (p.Arg144Trp) has also been reported in individuals with dilated cardiomyopathy (Rani et al. 2014. PubMed ID: 24992688; Seidel et al. 2021. PubMed ID: 34213952). At this time, the clinical significance of the p.Arg144Gln variant is uncertain due to the absence of conclusive functional and genetic evidence.

Labcorp Genetics (formerly Invitae), Labcorp
Classification: Uncertain significance for Cardiomyopathy, familial restrictive, 3; Hypertrophic cardiomyopathy 2; Dilated cardiomyopathy 1D. Last evaluated: 2025-10-17. Review status: criteria provided, single submitter. Criteria: Invitae Variant Classification Sherloc (09022015). Collection method: clinical testing. Allele origin: germline.
Comment: This sequence change replaces arginine, which is basic and polar, with glutamine, which is neutral and polar, at codon 144 of the TNNT2 protein (p.Arg144Gln). This variant is present in population databases (rs745632066, gnomAD 0.007%). This missense change has been observed in individual(s) with TNNT2-related conditions (PMID: 29447731, 29988065). ClinVar contains an entry for this variant (Variation ID: 404394). Invitae Evidence Modeling of protein sequence and biophysical properties (such as structural, functional, and spatial information, amino acid conservation, physicochemical variation, residue mobility, and thermodynamic stability) indicates that this missense variant is not expected to disrupt TNNT2 protein function with a negative predictive value of 80%. This variant disrupts the p.Arg144 amino acid residue in TNNT2. Other variant(s) that disrupt this residue have been determined to be pathogenic (PMID: 24992688, 28973951, 33025817). This suggests that this residue is clinically significant, and that variants that disrupt this residue are likely to be disease-causing. In summary, the available evidence is currently insufficient to determine the role of this variant in disease. Therefore, it has been classified as a Variant of Uncertain Significance.

Ambry Genetics
Classification: Uncertain significance for Cardiovascular phenotype. Last evaluated: 2025-02-07. Review status: criteria provided, single submitter. Criteria: Ambry Variant Classification Scheme 2023. Collection method: clinical testing. Allele origin: germline.
Comment: The p.R144Q variant (also known as c.431G>A), located in coding exon 9 of the TNNT2 gene, results from a G to A substitution at nucleotide position 431. The arginine at codon 144 is replaced by glutamine, an amino acid with highly similar properties. This alteration has been reported in a cardiomyopathy cohort (Verhagen JMA et al. Eur. J. Hum. Genet., 2018 11;26:1603-1610). Another alteration affecting the same amino acid, p.R144W (c.430C>T), has been reported in association with familial dilated cardiomyopathy (DCM) (Rani DS et al. PLoS ONE, 2014 Jul;9:e101451). This amino acid position is well conserved in available vertebrate species; however, glutamine is the reference amino acid in other vertebrate species. In addition, the in silico prediction for this alteration is inconclusive. Since supporting evidence is limited at this time, the clinical significance of this alteration remains unclear.

Color Diagnostics, LLC DBA Color Health
Classification: Uncertain significance for Cardiomyopathy. Last evaluated: 2024-12-11. Review status: criteria provided, single submitter. Criteria: ACMG Guidelines, 2015. Collection method: clinical testing. Allele origin: germline.
Comment: This missense variant replaces arginine with glutamine at codon 144 of the TNNT2 protein. Computational prediction tool is inconclusive regarding the impact of this variant on protein structure and function. To our knowledge, functional studies have not been reported for this variant. This variant has been reported in an individual affected with left ventricular noncompaction cardiomyopathy (PMID: 29988065, 33500567). This variant has been identified in 3/249928 chromosomes in the general population by the Genome Aggregation Database (gnomAD). The available evidence is insufficient to determine the role of this variant in disease conclusively. Therefore, this variant is classified as a Variant of Uncertain Significance.

Blueprint Genetics
Classification: Uncertain significance. Last evaluated: 2024-11-18. Review status: criteria provided, single submitter. Criteria: ACMG Guidelines, 2015. Collection method: clinical testing. Allele origin: germline.

All of Us Research Program, National Institutes of Health
Classification: Uncertain significance for Cardiomyopathy. Last evaluated: 2024-07-29. Review status: criteria provided, single submitter. Criteria: ACMG Guidelines, 2015. Collection method: clinical testing. Allele origin: germline. Inheritance: Autosomal dominant inheritance. Observed: 3 variant alleles, 3 heterozygotes.
Comment: This missense variant replaces arginine with glutamine at codon 144 of the TNNT2 protein. Computational prediction is inconclusive regarding the impact of this variant on protein structure and function (internally defined REVEL score threshold 0.5 < inconclusive < 0.7, PMID: 27666373). To our knowledge, functional studies have not been reported for this variant. This variant has been reported in an individual affected with cardiomyopathy (PMID: 29988065). This variant has been identified in 3/249928 chromosomes in the general population by the Genome Aggregation Database (gnomAD). The available evidence is insufficient to determine the role of this variant in disease conclusively. Therefore, this variant is classified as a Variant of Uncertain Significance.

This study involves interpretation of variants in research participants for the purpose of population health screening. Participant phenotype was not available at the time of variant classification. Additional details can be found in publication PMID: 35346344, PMCID: PMC8962531

GeneDx
Classification: Uncertain significance. Last evaluated: 2023-07-29. Review status: criteria provided, single submitter. Criteria: GeneDx Variant Classification Process June 2021. Collection method: clinical testing. Allele origin: germline. Affected: yes.
Comment: Not observed at significant frequency in large population cohorts (gnomAD); In silico analysis supports that this missense variant has a deleterious effect on protein structure/function; Has not been previously published as pathogenic or benign to our knowledge

Genome-Nilou Lab
Classification: Uncertain significance for Dilated cardiomyopathy 1D. Last evaluated: 2023-04-11. Review status: criteria provided, single submitter. Criteria: ACMG Guidelines, 2015. Collection method: clinical testing. Allele origin: germline. Affected: no.

Genome-Nilou Lab
Classification: Uncertain significance for Cardiomyopathy, familial restrictive, 3. Last evaluated: 2023-04-11. Review status: criteria provided, single submitter. Criteria: ACMG Guidelines, 2015. Collection method: clinical testing. Allele origin: germline. Affected: no.

Genome-Nilou Lab
Classification: Uncertain significance for Hypertrophic cardiomyopathy 2. Last evaluated: 2023-04-11. Review status: criteria provided, single submitter. Criteria: ACMG Guidelines, 2015. Collection method: clinical testing. Allele origin: germline. Affected: no.

Clinical Genetics DNA and cytogenetics Diagnostics Lab, Erasmus MC, Erasmus Medical Center
Classification: Uncertain significance. Review status: no assertion criteria provided. Collection method: clinical testing. Allele origin: germline. Affected: yes. Study: VKGL Data-share Consensus. Not counted in ClinVar's aggregate classification.

Clinical Genetics, Academic Medical Center
Classification: Uncertain significance. Review status: no assertion criteria provided. Collection method: clinical testing. Allele origin: germline. Affected: yes. Study: VKGL Data-share Consensus. Not counted in ClinVar's aggregate classification.

Diagnostic Laboratory, Department of Genetics, University Medical Center Groningen
Classification: Uncertain significance. Review status: no assertion criteria provided. Collection method: clinical testing. Allele origin: germline. Affected: yes. Study: VKGL Data-share Consensus. Not counted in ClinVar's aggregate classification.

Genome Diagnostics Laboratory, University Medical Center Utrecht
Classification: Uncertain significance. Review status: no assertion criteria provided. Collection method: clinical testing. Allele origin: germline. Affected: yes. Study: VKGL Data-share Consensus. Not counted in ClinVar's aggregate classification.

Joint Genome Diagnostic Labs from Nijmegen and Maastricht, Radboudumc and MUMC+
Classification: Uncertain significance. Review status: no assertion criteria provided. Collection method: clinical testing. Allele origin: germline. Affected: yes. Study: VKGL Data-share Consensus. Not counted in ClinVar's aggregate classification.

Literature cited by the submitters: PubMed 29447731 (cited by Women's Health and Genetics/Laboratory Corporation of America, LabCorp and Labcorp Genetics (formerly Invitae), Labcorp); PubMed 29988065 (cited by 5 submitters); PubMed 24992688 (cited by Labcorp Genetics (formerly Invitae), Labcorp); PubMed 28973951 (cited by Labcorp Genetics (formerly Invitae), Labcorp); PubMed 33025817 (cited by Labcorp Genetics (formerly Invitae), Labcorp); PubMed 33500567 (cited by Color Diagnostics, LLC DBA Color Health).

NM_001276345.2(TNNT2):c.461G>A (p.Arg154Gln)

Gene: TNNT2 (troponin T2, cardiac type; minus strand). Cytogenetic location: 1q32.1.
Variant type: single nucleotide variant.
Coding change: c.461G>A on transcript NM_001276345.2 (MANE Select); coding-DNA position 461, G replaced by A.
Protein change: p.Arg154Gln; replaces arginine 154 with glutamine.
Molecular consequence: missense variant.
Genome position (GRCh38, 1-based): chr1:201,364,326, C>T on the plus strand (G>A on the coding strand, the complement: TNNT2 is on the minus strand). VCF-style: chr1-201364326-C-T. GRCh37 (hg19) VCF-style: chr1-201333454-C-T.
Other names: c.461G>A, p.Arg154Gln (NM_000364.4); c.431G>A, p.Arg144Gln (NM_001001430.3, NM_001001431.3, NM_001276347.2); c.416G>A, p.Arg139Gln (NM_001001432.3); c.341G>A, p.Arg114Gln (NM_001276346.2); short protein forms R144Q, R154Q, R114Q, R139Q.
Identifiers: ClinVar variation 404394 (VCV000404394.31), dbSNP rs745632066, ClinGen allele CA089010.